The following is an entry in ClinVar:

NM_004281.4(BAG3):c.695A>C (p.His232Pro)

Gene: BAG3 (BAG cochaperone 3; plus strand). Cytogenetic location: 10q26.11.
Variant type: single nucleotide variant.
Coding change: c.695A>C on transcript NM_004281.4 (MANE Select); coding-DNA position 695, A replaced by C.
Protein change: p.His232Pro; replaces histidine 232 with proline.
Molecular consequence: missense variant.
Genome position (GRCh38, 1-based): chr10:119,672,442, A>C. VCF-style: chr10-119672442-A-C. GRCh37 (hg19) VCF-style: chr10-121431954-A-C.
Other names: short protein forms H232P.
Identifiers: ClinVar variation 837703 (VCV000837703.9), dbSNP rs746241240, ClinGen allele CA5716397.

ClinVar aggregate classification (germline): Uncertain significance (1 of 4 stars; one submission).

Conditions:
Myofibrillar myopathy 6. Identifiers: Orphanet 199340, MedGen C2751831, MONDO:0013061, OMIM 612954.
Dilated cardiomyopathy 1HH (CMD1HH). Identifiers: Orphanet 154, MedGen C3151293, MONDO:0013479, OMIM 613881.

Allele frequency attached by ClinVar (database versions not stated): ExAC 0.00001.

Submission:

Labcorp Genetics (formerly Invitae), Labcorp
Classification: Uncertain significance for Dilated cardiomyopathy 1HH; Myofibrillar myopathy 6. Last evaluated: 2019-03-19. Review status: criteria provided, single submitter. Criteria: Invitae Variant Classification Sherloc (09022015). Collection method: clinical testing. Allele origin: germline.
Comment: This sequence change replaces histidine with proline at codon 232 of the BAG3 protein (p.His232Pro). The histidine residue is moderately conserved and there is a moderate physicochemical difference between histidine and proline. In summary, the available evidence is currently insufficient to determine the role of this variant in disease. Therefore, it has been classified as a Variant of Uncertain Significance. Algorithms developed to predict the effect of missense changes on protein structure and function are either unavailable or do not agree on the potential impact of this missense change (SIFT: "Tolerated"; PolyPhen-2: "Probably Damaging"; Align-GVGD: "Class C0"). This variant has not been reported in the literature in individuals with BAG3-related conditions. This variant is present in population databases (rs746241240, ExAC 0.002%).